The following is an entry in ClinVar:

NM_000155.4(GALT):c.677T>C (p.Leu226Pro)

Gene: GALT (galactose-1-phosphate uridylyltransferase; plus strand). Cytogenetic location: 9p13.3.
Variant type: single nucleotide variant.
Coding change: c.677T>C on transcript NM_000155.4 (MANE Select); coding-DNA position 677, T replaced by C.
Protein change: p.Leu226Pro; replaces leucine 226 with proline.
Molecular consequence: missense variant.
Genome position (GRCh38, 1-based): chr9:34,648,446, T>C. VCF-style: chr9-34648446-T-C. GRCh37 (hg19) VCF-style: chr9-34648443-T-C.
Other names: c.677T>C (NM_000155.3); c.350T>C, p.Leu117Pro (NM_001258332.2); short protein forms L117P.
Identifiers: ClinVar variation 4081693 (VCV004081693.2), dbSNP rs111033752.

ClinVar aggregate classification (germline): Likely pathogenic. Review status: criteria provided, multiple submitters, no conflicts (2 of 4 stars). 2 submissions from 2 submitters: Likely pathogenic (2). Last evaluated 2025-10-15.

Conditions:
Galactosemia. Also called: Galactose intolerance. Identifiers: Orphanet 352, MedGen C0016952, MONDO:0018116, HP:0004919. Disease mechanism: loss of function.
Deficiency of UDPglucose-hexose-1-phosphate uridylyltransferase. Also called: GALACTOSE-1-PHOSPHATE URIDYLYLTRANSFERASE DEFICIENCY; GALT deficiency; Galactosemia, classic; Transferase Deficiency Galactosemia; GALACTOSEMIA I. Identifiers: Orphanet 352, Orphanet 79239, MedGen C0268151, MONDO:0009258, OMIM 230400.

Allele frequency attached by ClinVar (database versions not stated): gnomAD exomes below 0.00001; ExAC 0.00001.
gnomAD v4.1: 1 of 1,614,130 alleles (0.000062%); highest among the groups gnomAD compares: Non-Finnish European, 0.000085%; no homozygotes.

Submissions (2):

Natera, Inc.
Classification: Likely pathogenic for Galactosemia. Last evaluated: 2025-10-15. Review status: criteria provided, single submitter. Criteria: Natera Variant Classification Schema (03/2026). Collection method: clinical testing. Allele origin: germline.
Comment: The c.677T>C variant in GALT is a missense variant predicted to cause substitution of leucine to proline at amino acid 226. This variant is rare in the general population with a frequency below the threshold expected for the associated phenotype(s). This variant has been observed in one or more individuals affected with the associated recessive disease, as either homozygous or compound heterozygous with a second variant (PMID: 11397328, 25622686). Computational prediction algorithms indicate this variant is likely to affect gene or protein function. Given the available evidence, this variant is classified as Likely Pathogenic.

Myriad Genetics, Inc.
Classification: Likely pathogenic for Deficiency of UDPglucose-hexose-1-phosphate uridylyltransferase. Last evaluated: 2025-04-04. Review status: criteria provided, single submitter. Criteria: Myriad Autosomal Dominant, Autosomal Recessive and X-Linked Classification Criteria (2023). Collection method: clinical testing. Allele origin: unknown.
Comment: NM_000155.3(GALT):c.677T>C(L226P) is a missense variant classified as likely pathogenic in the context of galactosemia. L226P has been observed in cases with relevant disease (PMID: 22944367, 11397328). Relevant functional assessments of this variant are not available in the literature. L226P has been observed in referenced population frequency databases. In summary, NM_000155.3(GALT):c.677T>C(L226P) is a missense variant that has been observed more frequently in cases with the relevant disease than in healthy populations. Please note: this variant was assessed in the context of healthy population screening.

Literature cited by the submitters: PubMed 11397328 (cited by Natera, Inc. and Myriad Genetics, Inc.); PubMed 25622686 (cited by Natera, Inc.); PubMed 22944367 (cited by Myriad Genetics, Inc.).